The following is an entry in ClinVar:

ClinVar aggregate classification (germline): Uncertain significance (1 of 4 stars; one submission).

Submission:

Ambry Genetics
Classification: Uncertain significance. Last evaluated: 2024-04-05. Review status: criteria provided, single submitter. Criteria: Ambry Variant Classification Scheme 2023. Collection method: clinical testing. Allele origin: germline.
Comment: The p.K292R variant (also known as c.875A>G), located in coding exon 9 of the BUB1 gene, results from an A to G substitution at nucleotide position 875. The lysine at codon 292 is replaced by arginine, an amino acid with highly similar properties. This amino acid position is conserved. In addition, this alteration is predicted to be tolerated by in silico analysis. Based on the available evidence, the clinical significance of this variant remains unclear.

NM_004336.5(BUB1):c.875A>G (p.Lys292Arg)

Gene: BUB1 (BUB1 mitotic checkpoint serine/threonine kinase; minus strand). Cytogenetic location: 2q13.
Variant type: single nucleotide variant.
Coding change: c.875A>G on transcript NM_004336.5 (MANE Select); coding-DNA position 875, A replaced by G.
Protein change: p.Lys292Arg; replaces lysine 292 with arginine.
Molecular consequence: missense variant.
Genome position (GRCh38, 1-based): chr2:110,666,345, T>C on the plus strand (A>G on the coding strand, the complement: BUB1 is on the minus strand). VCF-style: chr2-110666345-T-C. GRCh37 (hg19) VCF-style: chr2-111423922-T-C.
Other names: c.815A>G, p.Lys272Arg (NM_001278616.2); c.875A>G, p.Lys292Arg (NM_001278617.2); short protein forms K272R, K292R.
Identifiers: ClinVar variation 3262135 (VCV003262135.1).